The following is an entry in ClinVar:

NM_000535.7(PMS2):c.1123C>T (p.Gln375Ter)

Gene: PMS2 (PMS1 homolog 2, mismatch repair system component; minus strand). Cytogenetic location: 7p22.1.
Variant type: single nucleotide variant.
Coding change: c.1123C>T on transcript NM_000535.7 (MANE Select); coding-DNA position 1123, C replaced by T.
Protein change: p.Gln375Ter; replaces glutamine 375 with a stop codon.
Molecular consequence: nonsense. On other transcripts: non-coding transcript variant (1), intron variant (2).
Genome position (GRCh38, 1-based): chr7:5,989,821, G>A on the plus strand (C>T on the coding strand, the complement: PMS2 is on the minus strand). VCF-style: chr7-5989821-G-A. GRCh37 (hg19) VCF-style: chr7-6029452-G-A.
Other names: c.718C>T, p.Gln240Ter (NM_001322003.2, NM_001322004.2, NM_001322005.2 and 1 more transcripts); c.805C>T, p.Gln269Ter (NM_001322007.2, NM_001322008.2); c.190C>T, p.Gln64Ter (NM_001322011.2, NM_001322012.2); c.550C>T, p.Gln184Ter (NM_001322013.2); c.1123C>T, p.Gln375Ter (NM_001322014.2); c.814C>T, p.Gln272Ter (NM_001322015.2); c.583+2152C>T (NM_001322010.2); c.988+2152C>T (NM_001322006.2); short protein forms Q240*, Q269*, Q64*, Q184*, Q272*, Q375*.
Identifiers: ClinVar variation 954636 (VCV000954636.12), dbSNP rs956005905, ClinGen allele CA366742759.

ClinVar aggregate classification (germline): Pathogenic. Review status: criteria provided, multiple submitters, no conflicts (2 of 4 stars). 3 submissions from 3 submitters: Pathogenic (3). Last evaluated 2025-04-28.

Conditions:
Lynch syndrome 4 (LYNCH4). Also called: Hereditary non-polyposis colorectal cancer, type 4; Colorectal cancer, hereditary nonpolyposis, type 4. Identifiers: Orphanet 144, MedGen C1838333, MONDO:0013699, OMIM 614337. Disease mechanism: loss of function.
Hereditary nonpolyposis colorectal neoplasms. Identifiers: MedGen C0009405, MeSH D003123.
Hereditary cancer-predisposing syndrome. Also called: Hereditary neoplastic syndrome; Tumor predisposition; Neoplastic Syndromes, Hereditary; Hereditary Cancer Syndrome. Identifiers: Orphanet 140162, MedGen C0027672, MeSH D009386, MONDO:0015356.

Submissions (3):

Labcorp Genetics (formerly Invitae), Labcorp
Classification: Pathogenic for Hereditary nonpolyposis colorectal neoplasms. Last evaluated: 2025-04-28. Review status: criteria provided, single submitter. Criteria: Invitae Variant Classification Sherloc (09022015). Collection method: clinical testing. Allele origin: germline.
Comment: This sequence change creates a premature translational stop signal (p.Gln375*) in the PMS2 gene. It is expected to result in an absent or disrupted protein product. Loss-of-function variants in PMS2 are known to be pathogenic (PMID: 21376568, 24362816). This variant is not present in population databases (gnomAD no frequency). This variant has not been reported in the literature in individuals affected with PMS2-related conditions. ClinVar contains an entry for this variant (Variation ID: 954636). For these reasons, this variant has been classified as Pathogenic.

Ambry Genetics
Classification: Pathogenic for Hereditary cancer-predisposing syndrome. Last evaluated: 2024-06-27. Review status: criteria provided, single submitter. Criteria: Ambry Variant Classification Scheme 2023. Collection method: clinical testing. Allele origin: germline.
Comment: The p.Q375* pathogenic mutation (also known as c.1123C>T), located in coding exon 10 of the PMS2 gene, results from a C to T substitution at nucleotide position 1123. This changes the amino acid from a glutamine to a stop codon within coding exon 10. This variant is considered to be rare based on population cohorts in the Genome Aggregation Database (gnomAD). This alteration is expected to result in loss of function by premature protein truncation or nonsense-mediated mRNA decay. As such, this alteration is interpreted as a disease-causing mutation.

Myriad Genetics, Inc.
Classification: Pathogenic for Lynch syndrome 4. Last evaluated: 2023-09-20. Review status: criteria provided, single submitter. Criteria: Myriad Autosomal Dominant, Autosomal Recessive and X-Linked Classification Criteria (2023). Collection method: clinical testing. Allele origin: unknown.
Comment: This variant is considered pathogenic. This variant creates a termination codon and is predicted to result in premature protein truncation.

Literature cited by the submitters: PubMed 21376568 (cited by Labcorp Genetics (formerly Invitae), Labcorp); PubMed 24362816 (cited by Labcorp Genetics (formerly Invitae), Labcorp).